The following is an entry in ClinVar:

ClinVar aggregate classification (germline): Uncertain significance (1 of 4 stars; one submission).

Conditions:
FGFR3-related disorder. Also called: FGFR3-related disorders.

Allele frequency attached by ClinVar (database versions not stated): gnomAD 0.00002; TOPMed 0.00002.
gnomAD v4.1: 25 of 1,597,070 alleles (0.0016%); highest among the groups gnomAD compares: Admixed American, 0.0034%; no homozygotes.

Submission:

PreventionGenetics, part of Exact Sciences
Classification: Uncertain significance for FGFR3-related condition. Last evaluated: 2026-03-02. Review status: criteria provided, single submitter. Criteria: ACMG Guidelines, 2015. Collection method: clinical testing. Allele origin: germline.
Comment: The FGFR3 c.1069G>A variant is predicted to result in the amino acid substitution p.Gly357Arg. To our knowledge, this variant has not been reported in the literature. This variant is reported in 0.0079% of alleles in individuals of African descent in gnomAD. At this time, the clinical significance of this variant is uncertain due to the absence of conclusive functional and genetic evidence.

NM_000142.5(FGFR3):c.931-640G>A

Gene: FGFR3 (fibroblast growth factor receptor 3; plus strand). Cytogenetic location: 4p16.3.
Variant type: single nucleotide variant.
Coding change: c.931-640G>A on transcript NM_000142.5 (MANE Select); 640 bases into the intron before coding-DNA position 931, G replaced by A.
Molecular consequence: intron variant. On other transcripts: missense variant (1), non-coding transcript variant (1).
Genome position (GRCh38, 1-based): chr4:1,803,052, G>A. VCF-style: chr4-1803052-G-A. GRCh37 (hg19) VCF-style: chr4-1804779-G-A.
Other names: c.1069G>A, p.Gly357Arg (NM_001163213.2); c.931-640G>A (NM_001354809.2, NM_001354810.2); c.930+1027G>A (NM_022965.4); short protein forms G357R.
Identifiers: ClinVar variation 3032240 (VCV003032240.3), dbSNP rs747899858, ClinGen allele CA91252499.